The following is an entry in ClinVar:

NM_001040151.2(SCN3B):c.199G>A (p.Glu67Lys)

Gene: SCN3B (sodium voltage-gated channel beta subunit 3; minus strand). Cytogenetic location: 11q24.1.
Variant type: single nucleotide variant.
Coding change: c.199G>A on transcript NM_001040151.2 (MANE Select); coding-DNA position 199, G replaced by A.
Protein change: p.Glu67Lys; replaces glutamic acid 67 with lysine.
Molecular consequence: missense variant.
Genome position (GRCh38, 1-based): chr11:123,645,607, C>T on the plus strand (G>A on the coding strand, the complement: SCN3B is on the minus strand). VCF-style: chr11-123645607-C-T. GRCh37 (hg19) VCF-style: chr11-123516315-C-T.
Other names: c.199G>A, p.Glu67Lys (NM_018400.4); short protein forms E67K.
Identifiers: ClinVar variation 432438 (VCV000432438.17), dbSNP rs140381249, ClinGen allele CA6334070.

ClinVar aggregate classification (germline): Uncertain significance. Review status: criteria provided, multiple submitters, no conflicts (2 of 4 stars). 5 submissions from 5 submitters: Uncertain significance (5). Last evaluated 2025-11-22.

Conditions:
Brugada syndrome 7 (BRGDA7). Identifiers: Orphanet 130, MedGen C2751088, MONDO:0013146, OMIM 613120.
Cardiovascular phenotype. Identifiers: MedGen CN230736.
Long QT syndrome (LQTS). Identifiers: MedGen C0023976, MeSH D008133, MONDO:0002442. Disease mechanism: loss of function. Inheritance: Various modes of inheritance.

Allele frequency attached by ClinVar (database versions not stated): 1000 Genomes Project 0.00020; gnomAD 0.00004; ExAC 0.00006; gnomAD exomes 0.00004 and 0.00002; TOPMed 0.00005; ESP Exome Variant Server 0.00008; 1000 Genomes Project 30x 0.00016.

Submissions (5):

Ambry Genetics
Classification: Uncertain significance for Cardiovascular phenotype. Last evaluated: 2025-11-22. Review status: criteria provided, single submitter. Criteria: Ambry Variant Classification Scheme 2023. Collection method: clinical testing. Allele origin: germline.
Comment: The p.E67K variant (also known as c.199G>A), located in coding exon 2 of the SCN3B gene, results from a G to A substitution at nucleotide position 199. The glutamic acid at codon 67 is replaced by lysine, an amino acid with similar properties. This amino acid position is conserved. In addition, this alteration is predicted to be tolerated by in silico analysis. Since supporting evidence is limited at this time, the clinical significance of this alteration remains unclear.

Dept of Medical Biology, Uskudar University
Classification: Uncertain significance for Long QT syndrome. Last evaluated: 2024-01-08. Review status: criteria provided, single submitter. Criteria: Dept of Medical Biology Variant Classification. Collection method: research. Allele origin: maternal. Affected: yes. Observed: 1 variant allele.
Comment: Criteria: PM2, BP4

Fulgent Genetics
Classification: Uncertain significance for Brugada syndrome 7. Last evaluated: 2021-10-01. Review status: criteria provided, single submitter. Criteria: ACMG Guidelines, 2015. Collection method: clinical testing. Allele origin: unknown.

Labcorp Genetics (formerly Invitae), Labcorp
Classification: Uncertain significance for Brugada syndrome 7. Last evaluated: 2020-06-07. Review status: criteria provided, single submitter. Criteria: Invitae Variant Classification Sherloc (09022015). Collection method: clinical testing. Allele origin: germline.
Comment: In summary, the available evidence is currently insufficient to determine the role of this variant in disease. Therefore, it has been classified as a Variant of Uncertain Significance. Algorithms developed to predict the effect of missense changes on protein structure and function are either unavailable or do not agree on the potential impact of this missense change (SIFT: "Deleterious"; PolyPhen-2: "Benign"; Align-GVGD: "Class C0"). This variant has not been reported in the literature in individuals with SCN3B-related conditions. ClinVar contains an entry for this variant (Variation ID: 432438). This variant is present in population databases (rs140381249, ExAC 0.009%). This sequence change replaces glutamic acid with lysine at codon 67 of the SCN3B protein (p.Glu67Lys). The glutamic acid residue is highly conserved and there is a small physicochemical difference between glutamic acid and lysine.

GeneDx
Classification: Uncertain significance. Last evaluated: 2017-05-30. Review status: criteria provided, single submitter. Criteria: GeneDx Variant Classification (06012015). Collection method: clinical testing. Allele origin: germline. Affected: yes.
Comment: Thee E67K variant has not been publishedas pathogenic or been reported as benign to our knowledge. This variant is a non-conservative amino acidsubstitution, which is likely to impact secondary protein structure as these residues differ in polarity, charge, sizeand/or other properties. In addition, this substitution occurs at a position that is conserved through mammals.Nonetheless, in silico analysis is inconsistent in its predictions as to whether or not the variant is damaging to theprotein structure/function. Finally, this variant is observed in 6/66694 (0.009%) alleles from individuals of EuropeanNon-Finnish ancestry in the ExAC dataset (Lek et al., 2016; 1000 Genomes Consortium et al., 2015; Exome VariantServer).